The following is an entry in ClinVar:

NM_006509.4(RELB):c.716T>C (p.Ile239Thr)

Gene: RELB (RELB proto-oncogene, NF-kB subunit; plus strand). Cytogenetic location: 19q13.32.
Variant type: single nucleotide variant.
Coding change: c.716T>C on transcript NM_006509.4 (MANE Select); coding-DNA position 716, T replaced by C.
Protein change: p.Ile239Thr; replaces isoleucine 239 with threonine.
Molecular consequence: missense variant.
Genome position (GRCh38, 1-based): chr19:45,025,382, T>C. VCF-style: chr19-45025382-T-C. GRCh37 (hg19) VCF-style: chr19-45528640-T-C.
Other names: c.707T>C, p.Ile236Thr (NM_001411087.1); short protein forms I236T, I239T.
Identifiers: ClinVar variation 3714284 (VCV003714284.2).

ClinVar aggregate classification (germline): Uncertain significance (1 of 4 stars; one submission).

Submission:

Labcorp Genetics (formerly Invitae), Labcorp
Classification: Uncertain significance. Last evaluated: 2024-09-05. Review status: criteria provided, single submitter. Criteria: Invitae Variant Classification Sherloc (09022015). Collection method: clinical testing. Allele origin: germline.
Comment: This sequence change replaces isoleucine, which is neutral and non-polar, with threonine, which is neutral and polar, at codon 239 of the RELB protein (p.Ile239Thr). This variant is present in population databases (no rsID available, gnomAD 0.01%). This variant has not been reported in the literature in individuals affected with RELB-related conditions. An algorithm developed to predict the effect of missense changes on protein structure and function (PolyPhen-2) suggests that this variant is likely to be disruptive. In summary, the available evidence is currently insufficient to determine the role of this variant in disease. Therefore, it has been classified as a Variant of Uncertain Significance.